The following is an entry in ClinVar:

NM_001367624.2(ZNF469):c.5396C>T (p.Pro1799Leu)

Gene: ZNF469 (zinc finger protein 469; plus strand). Cytogenetic location: 16q24.2.
Variant type: single nucleotide variant.
Coding change: c.5396C>T on transcript NM_001367624.2 (MANE Select); coding-DNA position 5396, C replaced by T.
Protein change: p.Pro1799Leu; replaces proline 1799 with leucine.
Molecular consequence: missense variant.
Genome position (GRCh38, 1-based): chr16:88,432,866, C>T. VCF-style: chr16-88432866-C-T. GRCh37 (hg19) VCF-style: chr16-88499274-C-T.
Other names: NM_001127464.1:c.5312C>T; NM_001127464.2:c.5312C>T; short protein forms P1799L.
Identifiers: ClinVar variation 1746772 (VCV001746772.5), dbSNP rs1406575055, ClinGen allele CA397097308.

ClinVar aggregate classification (germline): Uncertain significance. Review status: criteria provided, multiple submitters, no conflicts (2 of 4 stars). 3 submissions from 3 submitters: Uncertain significance (3). Last evaluated 2026-03-02.

Conditions:
ZNF469-related disorder. Also called: ZNF469-related condition.
Cardiovascular phenotype. Identifiers: MedGen CN230736.

Allele frequency attached by ClinVar (database versions not stated): gnomAD 0.00001; gnomAD exomes 0.00001; TOPMed 0.00001.
gnomAD v4.1: 10 of 1,550,196 alleles (0.00065%); highest among the groups gnomAD compares: African/African-American, 0.0096%; no homozygotes.

Submissions (3):

Women's Health and Genetics/Laboratory Corporation of America, LabCorp
Classification: Uncertain significance. Last evaluated: 2026-03-02. Review status: criteria provided, single submitter. Criteria: LabCorp Variant Classification Summary - May 2015. Collection method: clinical testing. Allele origin: germline.
Comment: Variant summary: ZNF469 c.5396C>T (p.Pro1799Leu) results in a non-conservative amino acid change in the encoded protein sequence. Algorithms developed to predict the effect of missense changes on protein structure and function are either unavailable or do not agree on the potential impact of this missense change. The variant was absent in 152936 control chromosomes. The available data on variant occurrences in the general population are insufficient to allow any conclusion about variant significance. To our knowledge, no occurrence of c.5396C>T in individuals affected with ZNF469-related conditions and no experimental evidence demonstrating its impact on protein function have been reported. ClinVar contains an entry for this variant (Variation ID: 1746772). Based on the evidence outlined above, the variant was classified as uncertain significance.

PreventionGenetics, part of Exact Sciences
Classification: Uncertain significance for ZNF469-related condition. Last evaluated: 2025-07-16. Review status: criteria provided, single submitter. Criteria: ACMG Guidelines, 2015. Collection method: clinical testing. Allele origin: germline.
Comment: The ZNF469 c.5312C>T variant is predicted to result in the amino acid substitution p.Pro1771Leu. To our knowledge, this variant has not been reported in the literature. This variant is present in 0.011% of alleles in individuals of African descent in gnomAD. At this time, the clinical significance of this variant is uncertain due to the absence of conclusive functional and genetic evidence.

Ambry Genetics
Classification: Uncertain significance for Cardiovascular phenotype. Last evaluated: 2024-05-11. Review status: criteria provided, single submitter. Criteria: Ambry Variant Classification Scheme 2023. Collection method: clinical testing. Allele origin: germline.
Comment: The p.P1771L variant (also known as c.5312C>T), located in coding exon 2 of the ZNF469 gene, results from a C to T substitution at nucleotide position 5312. The proline at codon 1771 is replaced by leucine, an amino acid with similar properties. This amino acid position is conserved. In addition, this alteration is predicted to be tolerated by in silico analysis. Since supporting evidence is limited at this time, the clinical significance of this alteration remains unclear.